The following is an entry in ClinVar:

NM_004329.3(BMPR1A):c.1225G>A (p.Ala409Thr)

Gene: BMPR1A (bone morphogenetic protein receptor type 1A; plus strand). Cytogenetic location: 10q23.2.
Variant type: single nucleotide variant.
Coding change: c.1225G>A on transcript NM_004329.3 (MANE Select); coding-DNA position 1225, G replaced by A.
Protein change: p.Ala409Thr; replaces alanine 409 with threonine.
Molecular consequence: missense variant.
Genome position (GRCh38, 1-based): chr10:86,921,578, G>A. VCF-style: chr10-86921578-G-A. GRCh37 (hg19) VCF-style: chr10-88681335-G-A.
Other names: short protein forms A409T.
Identifiers: ClinVar variation 529902 (VCV000529902.10), dbSNP rs1554891324, ClinGen allele CA377462015.

ClinVar aggregate classification (germline): Uncertain significance (1 of 4 stars; one submission).

Conditions:
Juvenile polyposis syndrome (JPS). Identifiers: Orphanet 2929, MedGen C0345893, MONDO:0017380, OMIM 174900.

Submission:

Labcorp Genetics (formerly Invitae), Labcorp
Classification: Uncertain significance for Juvenile polyposis syndrome. Last evaluated: 2017-08-17. Review status: criteria provided, single submitter. Criteria: Invitae Variant Classification Sherloc (09022015). Collection method: clinical testing. Allele origin: germline.
Comment: In summary, the available evidence is currently insufficient to determine the role of this variant in disease. Therefore, it has been classified as a Variant of Uncertain Significance. Algorithms developed to predict the effect of missense changes on protein structure and function (SIFT, PolyPhen-2, Align-GVGD) all suggest that this variant is likely to be disruptive, but these predictions have not been confirmed by published functional studies and their clinical significance is uncertain. This variant has not been reported in the literature in individuals with BMPR1A-related disease. This variant is not present in population databases (ExAC no frequency). This sequence change replaces alanine with threonine at codon 409 of the BMPR1A protein (p.Ala409Thr). The alanine residue is highly conserved and there is a small physicochemical difference between alanine and threonine.